The following is an entry in ClinVar:

ClinVar aggregate classification (germline): Likely pathogenic (1 of 4 stars; one submission).

Conditions:
Agenesis of the corpus callosum with peripheral neuropathy (ACCPN). Also called: CHARLEVOIX DISEASE; HMSN/ACC; Hereditary Motor and Sensory Neuropathy with Agenesis of the Corpus Callosum; POLYNEUROPATHY, SENSORIMOTOR, WITH OR WITHOUT AGENESIS OF THE CORPUS CALLOSUM. Identifiers: Orphanet 1496, MedGen C0795950, MONDO:0000902, OMIM 218000. Disease mechanism: loss of function.

Submission:

Natera, Inc.
Classification: Likely pathogenic for Andermann syndrome. Last evaluated: 2025-08-21. Review status: criteria provided, single submitter. Criteria: Natera Variant Classification Schema (03/2026). Collection method: clinical testing. Allele origin: germline.
Comment: The c.1476_1478delCTT variant in SLC12A6 is an in-frame deletion predicted to remove phenylalanine at amino acid 493 while preserving the reading frame. This variant is rare in the general population with a frequency below the threshold expected for the associated phenotype(s). This variant has been observed in one or more individuals affected with the associated recessive disease, as either homozygous or compound heterozygous with a second variant (PMID: 28491899). This variant results in a change to the protein length while preserving reading frame, which may disrupt normal protein structure or function. Computational prediction algorithms indicate this variant is likely to affect gene or protein function. Given the available evidence, this variant is classified as Likely Pathogenic.

Literature cited by the submitters: PubMed 28491899.

NM_001365088.1(SLC12A6):c.1473CTT[1] (p.Phe493del)

Gene: SLC12A6 (solute carrier family 12 member 6; minus strand). Cytogenetic location: 15q14.
Variant type: Microsatellite.
Coding change: c.1473CTT[1] on transcript NM_001365088.1 (MANE Select); one copy of the 3-base unit CTT starting at c.1473; the reference has two copies in a row; one copy, 3 bases deleted.
Protein change: p.Phe493del; deletes phenylalanine 493.
Molecular consequence: inframe deletion. On other transcripts: inframe indel (2).
Genome position (GRCh38, 1-based): chr15:34,250,913-34,250,915, AAG deleted on the plus strand (CTT on the coding strand, the reverse complement: SLC12A6 is on the minus strand); deleting any 3 consecutive bases within chr15:34,250,913-34,250,919 gives the same sequence; the position shown is the placement nearest the transcript's 3' end. VCF-style (leftmost placement, unchanged base first): chr15-34250912-AAAG-A. GRCh37 (hg19) VCF-style: chr15-34543113-AAAG-A.
Other names: c.1476_1478delCTT (NM_133647.1); c.1296CTT[1], p.Phe434del (NM_001042494.2, NM_001042495.2); c.1446CTT[1], p.Phe484del (NM_001042496.2); c.1428CTT[1], p.Phe478del (NM_001042497.2); c.1320CTT[1], p.Phe442del (NM_005135.2); c.1472_1474TCT[1], p.Phe493del (NM_133647.1); c.1473CTT[1], p.Phe493del (NM_133647.2); short protein forms F434del, F442del, F478del, F484del, F493del.
Identifiers: ClinVar variation 4816513 (VCV004816513.1).
Genomic context (GRCh38, chr15:34,250,912, plus strand): 5'-CCGTGGGTCTGACAGCTTCTAAAATATACAACAGCCTATGTGTTTACCTGTAACAGAGGG[AAAG>A]AAGATTCCCACCAGAAGCGTGAAGGAGGTGGTGATGTCAACAAGAACATATTCATGGTTT-3'